The following is an entry in ClinVar:

NM_000642.3(AGL):c.3513dup (p.Leu1172fs)

Gene: AGL (amylo-alpha-1,6-glucosidase and 4-alpha-glucanotransferase; plus strand). Cytogenetic location: 1p21.2.
Variant type: Duplication.
Coding change: c.3513dup on transcript NM_000642.3 (MANE Select); coding-DNA position 3513, one base duplicated (T; older notation c.3513dupT).
Protein change: p.Leu1172fs; shifts the reading frame from leucine 1172.
Molecular consequence: frameshift variant.
Genome position (GRCh38, 1-based): chr1:99,900,786, T duplicated. VCF-style (leftmost placement, unchanged base first): chr1-99900785-G-GT. GRCh37 (hg19) VCF-style: chr1-100366341-G-GT.
Other names: c.3513dup, p.Leu1172fs (NM_000028.3, NM_000643.3, NM_000644.3 and 1 more transcripts); c.3465dup, p.Leu1156fs (NM_000646.3); c.3492dup, p.Leu1165fs (NM_001425326.1); c.3312dup, p.Leu1105fs (NM_001425327.1); c.3309dup, p.Leu1104fs (NM_001425328.1); c.3174dup, p.Leu1059fs (NM_001425329.1); c.3135dup, p.Leu1046fs (NM_001425332.1); short protein forms L1165fs, L1104fs, L1046fs, L1105fs, L1156fs, L1059fs, L1172fs.
Identifiers: ClinVar variation 4722981 (VCV004722981.1).
Genomic context (GRCh38, chr1:99,900,785, plus strand): 5'-GGGATGCTGTGTGGTGGTGGCTGCAGTGTATCCAGGATTACTGTAAAATGGTTCCAAATG[G>GT]TCTAGACATTCTCAAGTGCCCAGTTTCCAGAATGTATCCTACAGATGATTCTGCTCCTTT-3'

ClinVar aggregate classification (germline): Pathogenic (1 of 4 stars; one submission).

Conditions:
Glycogen storage disease type III (GSD3). Also called: FORBES DISEASE; Cori disease. Identifiers: Orphanet 366, MedGen C0017922, MONDO:0009291, OMIM 232400.

Submission:

Labcorp Genetics (formerly Invitae), Labcorp
Classification: Pathogenic for Glycogen storage disease type III. Last evaluated: 2025-09-08. Review status: criteria provided, single submitter. Criteria: Invitae Variant Classification Sherloc (09022015). Collection method: clinical testing. Allele origin: germline.
Comment: This sequence change creates a premature translational stop signal (p.Leu1172Serfs*16) in the AGL gene. It is expected to result in an absent or disrupted protein product. Loss-of-function variants in AGL are known to be pathogenic (PMID: 19299494). This variant is not present in population databases (gnomAD no frequency). This variant has not been reported in the literature in individuals affected with AGL-related conditions. For these reasons, this variant has been classified as Pathogenic.

Literature cited by the submitters: PubMed 19299494.